The following is an entry in ClinVar:

ClinVar aggregate classification (germline): Likely benign (1 of 4 stars; one submission).

Allele frequency attached by ClinVar (database versions not stated): ExAC 0.00004.

Submission:

CeGaT Center for Human Genetics Tuebingen
Classification: Likely benign. Last evaluated: 2023-08-01. Review status: criteria provided, single submitter. Criteria: CeGaT Center For Human Genetics Tuebingen Variant Classification Criteria Version 2. Collection method: clinical testing. Allele origin: germline. Affected: yes. Observed: 1 variant allele.
Comment: MUC6: BP4, BP7

NM_005961.3(MUC6):c.4395T>A (p.Pro1465=)

Gene: MUC6 (mucin 6, oligomeric mucus/gel-forming (gene/pseudogene); minus strand). Cytogenetic location: 11p15.5.
Variant type: single nucleotide variant.
Coding change: c.4395T>A on transcript NM_005961.3 (MANE Select); coding-DNA position 4395, T replaced by A.
Protein change: p.Pro1465=; no amino-acid change (proline 1465 retained).
Molecular consequence: synonymous variant.
Genome position (GRCh38, 1-based): chr11:1,018,406, A>T on the plus strand (T>A on the coding strand, the complement: MUC6 is on the minus strand). VCF-style: chr11-1018406-A-T. GRCh37 (hg19) VCF-style: chr11-1018406-A-T.
Identifiers: ClinVar variation 2641110 (VCV002641110.24), dbSNP rs760409699, ClinGen allele CA5796156.